The following is an entry in ClinVar:

NM_000051.4(ATM):c.4631A>G (p.Tyr1544Cys)

Gene: ATM (ATM serine/threonine kinase; plus strand). Cytogenetic location: 11q22.3.
Variant type: single nucleotide variant.
Coding change: c.4631A>G on transcript NM_000051.4 (MANE Select); coding-DNA position 4631, A replaced by G.
Protein change: p.Tyr1544Cys; replaces tyrosine 1544 with cysteine.
Molecular consequence: missense variant.
Genome position (GRCh38, 1-based): chr11:108,293,332, A>G. VCF-style: chr11-108293332-A-G. GRCh37 (hg19) VCF-style: chr11-108164059-A-G.
Other names: c.4631A>G, p.Tyr1544Cys (NM_001351834.2); short protein forms Y1544C.
Identifiers: ClinVar variation 245791 (VCV000245791.47), dbSNP rs779718362, ClinGen allele CA6265523.

ClinVar aggregate classification (germline): Conflicting classifications of pathogenicity. Review status: criteria provided, conflicting classifications (1 of 4 stars). 18 submissions from 18 submitters: Uncertain significance (12); Likely benign (1). 5 of the submissions do not count toward it. Last evaluated 2026-02-11.

Conditions:
ATM-related disorder. Also called: ATM-related disorders; ATM-related condition.
Hereditary cancer-predisposing syndrome. Also called: Hereditary Cancer Syndrome; Tumor predisposition; Hereditary neoplastic syndrome; Neoplastic Syndromes, Hereditary. Identifiers: Orphanet 140162, MedGen C0027672, MeSH D009386, MONDO:0015356.
Ataxia-telangiectasia syndrome (AT). Also called: Cerebello-oculocutaneous telangiectasia; Immunodeficiency with ataxia telangiectasia; ATAXIA-TELANGIECTASIA, COMPLEMENTATION GROUP A; ATAXIA-TELANGIECTASIA, FRESNO VARIANT; Ataxia-telangiectasia; Ataxia-telangiectasia, complementation group E. Identifiers: Orphanet 100, MedGen C0004135, MONDO:0008840, OMIM 208900.
Familial cancer of breast. Also called: Hereditary breast cancer; hereditary breast carcinoma; BREAST CANCER, FAMILIAL. Identifiers: Orphanet 227535, MedGen C0346153, MONDO:0016419, OMIM 114480. Disease mechanism: loss of function.

Allele frequency attached by ClinVar (database versions not stated): gnomAD 0.00001; ExAC 0.00003; gnomAD exomes 0.00003; TOPMed 0.00003.

Submissions 1 to 10 of 18:

St. Jude Molecular Pathology, St. Jude Children's Research Hospital
Classification: Uncertain significance for Ataxia-telangiectasia syndrome. Last evaluated: 2026-02-11. Review status: criteria provided, single submitter. Criteria: St. Jude Assertion Criteria 2020. Collection method: clinical testing. Allele origin: germline.
Comment: The ATM c.4631A>G p.(Tyr1544Cys) missense change has a maximum subpopulation frequency of 0.0073% in gnomAD v2.1.1. The in silico tool REVEL predicts a benign effect on protein function, but to our knowledge this prediction has not been confirmed by functional studies. This variant has been reported in individuals with breast cancer as well as control individuals (PMID: 25186627, 35585550, 28779002, 17623063, 29522266, 30311369). To our knowledge, this variant has not been reported in individuals with ataxia telangiectasia. In summary, the evidence currently available is insufficient to determine the clinical significance of this variant. It has therefore been classified as of uncertain significance.

Labcorp Genetics (formerly Invitae), Labcorp
Classification: Uncertain significance for Ataxia-telangiectasia syndrome. Last evaluated: 2026-01-27. Review status: criteria provided, single submitter. Criteria: Invitae Variant Classification Sherloc (09022015). Collection method: clinical testing. Allele origin: germline.
Comment: This sequence change replaces tyrosine, which is neutral and polar, with cysteine, which is neutral and slightly polar, at codon 1544 of the ATM protein (p.Tyr1544Cys). This variant is present in population databases (rs779718362, gnomAD 0.007%). This missense change has been observed in individual(s) with breast cancer and/or lung cancer (PMID: 25186627, 26689913, 29522266, 30426508). ClinVar contains an entry for this variant (Variation ID: 245791). Invitae Evidence Modeling of protein sequence and biophysical properties (such as structural, functional, and spatial information, amino acid conservation, physicochemical variation, residue mobility, and thermodynamic stability) indicates that this missense variant is not expected to disrupt ATM protein function with a negative predictive value of 95%. In summary, the available evidence is currently insufficient to determine the role of this variant in disease. Therefore, it has been classified as a Variant of Uncertain Significance.

Quest Diagnostics Nichols Institute San Juan Capistrano
Classification: Uncertain significance. Last evaluated: 2025-10-24. Review status: criteria provided, single submitter. Criteria: Quest Diagnostics criteria. Collection method: clinical testing. Allele origin: unknown.

Color Diagnostics, LLC DBA Color Health
Classification: Uncertain significance for Hereditary cancer-predisposing syndrome. Last evaluated: 2025-04-28. Review status: criteria provided, single submitter. Criteria: ACMG Guidelines, 2015. Collection method: clinical testing. Allele origin: germline.
Comment: This missense variant replaces tyrosine with cysteine at codon 1544 of the ATM protein. Computational prediction suggests that this variant may not impact protein structure and function. To our knowledge, functional studies have not been reported for this variant. This variant has been reported in individuals affected with breast cancer (PMID: 17623063, 25186627, 28779002, 29522266, 33471991). However, in two large breast cancer case-control studies, this variant has also been identified in control groups (PMID: 28779002, 33471991). In a case-control study conducted in the UK, this variant was reported in 1/13087 breast cancer cases and 1/5488 controls (PMID: 28779002). In an international case-control meta-analysis, this variant was reported in 2/60464 breast cancer cases and 11/53450 controls (OR=0.161, 95%CI 0.036 to 0.725, p-value=0.009PMID: 33471991). This variant has also been reported in individuals affected with caecal adenocarcinoma (PMID: 3638722) and metastatic prostate cancer (PMID: 36979741). This variant has been identified in 8/240752 chromosomes in the general population by the Genome Aggregation Database (gnomAD), all of which were found in individuals of European (non-Finnish) ancestry (8/109334 chromosomes). The available evidence is insufficient to determine the role of this variant in disease conclusively. Therefore, this variant is classified as a Variant of Uncertain Significance.

Women's Health and Genetics/Laboratory Corporation of America, LabCorp
Classification: Uncertain significance. Last evaluated: 2024-11-21. Review status: criteria provided, single submitter. Criteria: LabCorp Variant Classification Summary - May 2015. Collection method: clinical testing. Allele origin: germline.
Comment: Variant summary: ATM c.4631A>G (p.Tyr1544Cys) results in a non-conservative amino acid change in the encoded protein sequence. Four of five in-silico tools predict a damaging effect of the variant on protein function. The variant allele was found at a frequency of 3.3e-05 in 240942 control chromosomes. The available data on variant occurrences in the general population are insufficient to allow any conclusion about variant significance. c.4631A>G has been reported in the literature in individuals affected with Breast Cancer, Prostate Cancer, and individuals undergoing hereditary cancer testing without strong evidence for causality (e.g. Edvardsen_2007, Tung_2014, Schubert_2019, Mu_2016, Januskevicius_2023) . These reports do not provide unequivocal conclusions about association of the variant with ATM-related cancers. To our knowledge, no experimental evidence demonstrating an impact on protein function has been reported. The following publications have been ascertained in the context of this evaluation (PMID: 17623063, 36979741, 26689913, 27720647, 30426508, 25186627). ClinVar contains an entry for this variant (Variation ID: 245791). Based on the evidence outlined above, the variant was classified as uncertain significance.

Ambry Genetics
Classification: Uncertain significance for Hereditary cancer-predisposing syndrome. Last evaluated: 2024-09-11. Review status: criteria provided, single submitter. Criteria: Ambry Variant Classification Scheme 2023. Collection method: clinical testing. Allele origin: germline.
Comment: The p.Y1544C variant (also known as c.4631A>G), located in coding exon 30 of the ATM gene, results from an A to G substitution at nucleotide position 4631. The tyrosine at codon 1544 is replaced by cysteine, an amino acid with highly dissimilar properties. This alteration has been identified in multiple individuals diagnosed with breast cancer (Edvardsen H et al. Radiat Oncol, 2007 Jul;2:25; Tung N et al. Cancer, 2015 Jan;121:25-33; Hauke J et al. Cancer Med, 2018 04;7:1349-1358) and in at least one subject in a study of 13087 breast cancer cases and 5488 control individuals in the UK (Decker B et al. J. Med. Genet., 2017 11;54:732-741). This amino acid position is not well conserved in available vertebrate species. In addition, this alteration is predicted to be tolerated by in silico analysis. Based on the available evidence, the clinical significance of this variant remains unclear.

Myriad Genetics, Inc.
Classification: Likely benign for Familial cancer of breast. Last evaluated: 2024-05-14. Review status: criteria provided, single submitter. Criteria: Myriad Autosomal Dominant, Autosomal Recessive and X-Linked Classification Criteria (2023). Collection method: clinical testing. Allele origin: unknown.
Comment: This variant is considered likely benign. This variant is strongly associated with less severe personal and family histories of cancer, typical for individuals without pathogenic variants in this gene [PMID: 25085752].

Baylor Genetics
Classification: Uncertain significance for Familial cancer of breast. Last evaluated: 2023-10-02. Review status: criteria provided, single submitter. Criteria: ACMG Guidelines, 2015. Collection method: clinical testing. Allele origin: unknown.

Blueprint Genetics
Classification: Uncertain significance. Last evaluated: 2023-03-29. Review status: criteria provided, single submitter. Criteria: ACMG Guidelines, 2015. Collection method: clinical testing. Allele origin: germline.

Institute for Clinical Genetics, University Hospital TU Dresden, University Hospital TU Dresden
Classification: Uncertain significance. Last evaluated: 2021-11-03. Review status: criteria provided, single submitter. Criteria: ACMG Guidelines, 2015. Collection method: clinical testing. Allele origin: germline.